The following is an entry in ClinVar:

ClinVar aggregate classification (germline): Uncertain significance (1 of 4 stars; one submission).

Conditions:
Cardiomyopathy (CMYO). Also called: Cardiomyopathies. Identifiers: Orphanet 167848, MedGen C0878544, MONDO:0004994, HP:0001638. Inheritance: Various modes of inheritance.

gnomAD v4.1: 1 of 1,580,416 alleles (0.000063%); highest among the groups gnomAD compares: East Asian, 0.0023%; no homozygotes.

Submission:

Color Diagnostics, LLC DBA Color Health
Classification: Uncertain significance for Cardiomyopathy. Last evaluated: 2025-06-03. Review status: criteria provided, single submitter. Criteria: ACMG Guidelines, 2015. Collection method: clinical testing. Allele origin: germline.
Comment: This missense variant replaces glutamic acid with valine at codon 2183 of the RYR2 protein. Computational prediction suggests that this variant may have deleterious impact on protein structure and function. To our knowledge, functional studies have not been reported for this variant. This variant has not been reported in individuals affected with RYR2-related disorders in the literature. This variant has been identified in 1/244808 chromosomes in the general population by the Genome Aggregation Database (gnomAD). The available evidence is insufficient to determine the role of this variant in disease conclusively. Therefore, this variant is classified as a Variant of Uncertain Significance.

NM_001035.3(RYR2):c.6548A>T (p.Glu2183Val)

Gene: RYR2 (ryanodine receptor 2; plus strand). Cytogenetic location: 1q43.
Variant type: single nucleotide variant.
Coding change: c.6548A>T on transcript NM_001035.3 (MANE Select); coding-DNA position 6548, A replaced by T.
Protein change: p.Glu2183Val; replaces glutamic acid 2183 with valine.
Molecular consequence: missense variant.
Genome position (GRCh38, 1-based): chr1:237,631,534, A>T. VCF-style: chr1-237631534-A-T. GRCh37 (hg19) VCF-style: chr1-237794834-A-T.
Other names: short protein forms E2183V.
Identifiers: ClinVar variation 4756766 (VCV004756766.1).
Genomic context (GRCh38, chr1:237,631,534, plus strand): 5'-GGGCACTGGGGATGCACGAGACTGTGATGGAGGTCATGGTGAACGTCCTTGGAGGTGGAG[A>T]GTCCAAGGTAACGTCTTTGATTCCTGAGATGCTATTTAGTATCATCTCCTGGAGTATATA-3'
Protein context (NP_001026.2, residues 2173-2193): EVMVNVLGGG[Glu2183Val]SKEITFPKMV